The following is an entry in ClinVar:

NM_001166108.2(PALLD):c.1268G>T (p.Ser423Ile)

Gene: PALLD (palladin, cytoskeletal associated protein; plus strand). Cytogenetic location: 4q32.3.
Variant type: single nucleotide variant.
Coding change: c.1268G>T on transcript NM_001166108.2 (MANE Select); coding-DNA position 1268, G replaced by T.
Protein change: p.Ser423Ile; replaces serine 423 with isoleucine.
Molecular consequence: missense variant.
Genome position (GRCh38, 1-based): chr4:168,685,492, G>T. VCF-style: chr4-168685492-G-T. GRCh37 (hg19) VCF-style: chr4-169606643-G-T.
Other names: c.122G>T, p.Ser41Ile (NM_001166109.2); c.1268G>T, p.Ser423Ile (NM_016081.4); short protein forms S41I, S423I.
Identifiers: ClinVar variation 1764652 (VCV001764652.3), dbSNP rs1781943093, ClinGen allele CA358794395.

ClinVar aggregate classification (germline): Uncertain significance. Review status: criteria provided, multiple submitters, no conflicts (2 of 4 stars). 2 submissions from 2 submitters: Uncertain significance (2). Last evaluated 2024-02-02.

Conditions:
Pancreatic cancer, susceptibility to, 1. Identifiers: Orphanet 1333, MedGen C1847351, MONDO:0011739, OMIM 606856.

Allele frequency attached by ClinVar (database versions not stated): gnomAD exomes below 0.00001; gnomAD 0.00001; TOPMed 0.00001.
gnomAD v4.1: 9 of 1,609,404 alleles (0.00056%); highest among the groups gnomAD compares: Middle Eastern, 0.049%; no homozygotes.

Submissions (2):

Fulgent Genetics
Classification: Uncertain significance for Pancreatic cancer, susceptibility to, 1. Last evaluated: 2024-02-02. Review status: criteria provided, single submitter. Criteria: ACMG Guidelines, 2015. Collection method: clinical testing. Allele origin: germline.

Ambry Genetics
Classification: Uncertain significance. Last evaluated: 2024-01-19. Review status: criteria provided, single submitter. Criteria: Ambry Variant Classification Scheme 2023. Collection method: clinical testing. Allele origin: germline.
Comment: The p.S423I variant (also known as c.1268G>T), located in coding exon 5 of the PALLD gene, results from a G to T substitution at nucleotide position 1268. The serine at codon 423 is replaced by isoleucine, an amino acid with dissimilar properties. This amino acid position is conserved. In addition, this alteration is predicted to be deleterious by in silico analysis. Since supporting evidence is limited at this time, the clinical significance of this alteration remains unclear.